The following is an entry in ClinVar:

ClinVar aggregate classification (germline): Likely benign. Review status: criteria provided, multiple submitters, no conflicts (2 of 4 stars). 2 submissions from 2 submitters: Likely benign (2). Last evaluated 2017-04-27.

Conditions:
Growth delay due to insulin-like growth factor I resistance. Also called: Somatomedin end-organ insensitivity to; Somatomedin-c resistance to; IGF-1 resistance; IGF-I RESISTANCE; Insulin-Like Growth Factor I Resistance. Identifiers: Orphanet 73273, MedGen C1849157, MONDO:0010038, OMIM 270450.

Allele frequency attached by ClinVar (database versions not stated): 1000 Genomes Project 0.11941; gnomAD exomes 0.15965; TOPMed 0.18950; gnomAD 0.19237 and 0.19953.

Submissions (2):

Illumina Laboratory Services, Illumina
Classification: Likely benign for Growth delay due to insulin-like growth factor I resistance. Last evaluated: 2017-04-27. Review status: criteria provided, single submitter. Criteria: ICSL Variant Classification Criteria 13 December 2019. Collection method: clinical testing. Allele origin: germline.
Comment: This variant was observed as part of a predisposition screen in an ostensibly healthy population. A literature search was performed for the gene, cDNA change, and amino acid change (where applicable). No publications were found based on this search. Allele frequency data from public databases allowed determination this variant is unlikely to cause disease. Therefore, this variant is classified as likely benign.

Breakthrough Genomics
Classification: Likely benign. Review status: criteria provided, single submitter. Criteria: ACMG Guidelines, 2015. Collection method: not provided. Allele origin: germline. Inheritance: Autosomal dominant inheritance. Affected: yes.

NM_000875.5(IGF1R):c.*910C>T

Gene: IGF1R (insulin like growth factor 1 receptor; plus strand). Cytogenetic location: 15q26.3.
Variant type: single nucleotide variant.
Coding change: c.*910C>T on transcript NM_000875.5 (MANE Select); 910 bases downstream of the stop codon, C replaced by T.
Molecular consequence: 3 prime UTR variant.
Genome position (GRCh38, 1-based): chr15:98,958,352, C>T. VCF-style: chr15-98958352-C-T. GRCh37 (hg19) VCF-style: chr15-99501581-C-T.
Other names: c.*910C>T (NM_001291858.2).
Identifiers: ClinVar variation 317492 (VCV000317492.6), dbSNP rs702497, ClinGen allele CA10642733.